The following is an entry in ClinVar:

ClinVar aggregate classification (germline): Likely benign (1 of 4 stars; one submission).

Submission:

CeGaT Center for Human Genetics Tuebingen
Classification: Likely benign. Last evaluated: 2026-05-01. Review status: criteria provided, single submitter. Criteria: CeGaT Center For Human Genetics Tuebingen Variant Classification Criteria Version 2. Collection method: clinical testing. Allele origin: germline. Affected: yes. Observed: 1 variant allele.
Comment: ARL6: PM2:Supporting, BP4, BP7

NM_001278293.3(ARL6):c.363T>C (p.Arg121=)

Gene: ARL6 (ARF like GTPase 6; plus strand). Cytogenetic location: 3q11.2.
Variant type: single nucleotide variant.
Coding change: c.363T>C on transcript NM_001278293.3 (MANE Select); coding-DNA position 363, T replaced by C.
Protein change: p.Arg121=; no amino-acid change (arginine 121 retained).
Molecular consequence: synonymous variant. On other transcripts: non-coding transcript variant (7).
Genome position (GRCh38, 1-based): chr3:97,788,003, T>C. VCF-style: chr3-97788003-T-C. GRCh37 (hg19) VCF-style: chr3-97506847-T-C.
Other names: c.363T>C, p.Arg121= (NM_001323513.2, NM_001323514.2, NM_032146.5 and 1 more transcripts).
Identifiers: ClinVar variation 4874264 (VCV004874264.2).